The following is an entry in ClinVar:

GRCh38/hg38 13q34(chr13:114192458-114293545)x3

Genes: CDC16 (cell division cycle 16; plus strand), CFAP97D2 (CFAP97 domain containing 2; plus strand), MIR4502 (microRNA 4502; plus strand), MIR548AR (microRNA 548ar; plus strand), UPF3A (UPF3A regulator of nonsense mediated mRNA decay; plus strand) and 8 more. Cytogenetic location: 13q34.
Variant type: copy number gain.
Change: copy number 3 (three copies instead of two) of chr13:114,192,458-114,293,545 (101.1 kb, GRCh38 coordinates, 1-based), cytogenetic band 13q34.
Identifiers: ClinVar variation 57121 (VCV000057121.1).

ClinVar aggregate classification (germline): Uncertain significance (1 of 4 stars; one submission).

Submission:

ISCA site 4
Classification: Uncertain significance. Last evaluated: 2011-08-12. Review status: criteria provided, single submitter. Criteria: Kaminsky et al. (Genet Med. 2011). Collection method: clinical testing. Allele origin: unknown. Affected: yes. Observed: 1 variant allele.
Comment: Copy number variation identified through the course of routine clinical cytogenomic testing in postnatal populations. Clinical assertions have been curated as described in Kaminsky et al. 2011.